The following is an entry in ClinVar:

ClinVar aggregate classification (germline): Likely benign (1 of 4 stars; one submission).

Submission:

Mayo Clinic Laboratories, Mayo Clinic
Classification: Likely benign. Last evaluated: 2025-02-03. Review status: criteria provided, single submitter. Criteria: ACMG Guidelines, 2015. Collection method: clinical testing. Allele origin: germline. Observed: 1 variant allele.
Comment: BP4, BP7

NM_014165.4(NDUFAF4):c.444T>C (p.Asp148=)

Gene: NDUFAF4 (NADH:ubiquinone oxidoreductase complex assembly factor 4; minus strand). Cytogenetic location: 6q16.1.
Variant type: single nucleotide variant.
Coding change: c.444T>C on transcript NM_014165.4 (MANE Select); coding-DNA position 444, T replaced by C.
Protein change: p.Asp148=; no amino-acid change (aspartic acid 148 retained).
Molecular consequence: synonymous variant.
Genome position (GRCh38, 1-based): chr6:96,891,188, A>G on the plus strand (T>C on the coding strand, the complement: NDUFAF4 is on the minus strand). VCF-style: chr6-96891188-A-G. GRCh37 (hg19) VCF-style: chr6-97339064-A-G.
Other names: p.Asp148=.
Identifiers: ClinVar variation 4683215 (VCV004683215.1).